The following is an entry in ClinVar:

ClinVar aggregate classification (germline): Uncertain significance (1 of 4 stars; one submission).

Submission:

Labcorp Genetics (formerly Invitae), Labcorp
Classification: Uncertain significance. Last evaluated: 2021-12-30. Review status: criteria provided, single submitter. Criteria: Invitae Variant Classification Sherloc (09022015). Collection method: clinical testing. Allele origin: germline.
Comment: This sequence change replaces glutamic acid, which is acidic and polar, with glycine, which is neutral and non-polar, at codon 178 of the HNF1B protein (p.Glu178Gly). This variant is not present in population databases (gnomAD no frequency). This variant has not been reported in the literature in individuals affected with HNF1B-related conditions. Advanced modeling of protein sequence and biophysical properties (such as structural, functional, and spatial information, amino acid conservation, physicochemical variation, residue mobility, and thermodynamic stability) performed at Invitae indicates that this missense variant is expected to disrupt HNF1B protein function. In summary, the available evidence is currently insufficient to determine the role of this variant in disease. Therefore, it has been classified as a Variant of Uncertain Significance.

NM_000458.4(HNF1B):c.533A>G (p.Glu178Gly)

Gene: HNF1B (HNF1 homeobox B; minus strand). Cytogenetic location: 17q12.
Variant type: single nucleotide variant.
Coding change: c.533A>G on transcript NM_000458.4 (MANE Select); coding-DNA position 533, A replaced by G.
Protein change: p.Glu178Gly; replaces glutamic acid 178 with glycine.
Molecular consequence: missense variant.
Genome position (GRCh38, 1-based): chr17:37,739,451, T>C on the plus strand (A>G on the coding strand, the complement: HNF1B is on the minus strand). VCF-style: chr17-37739451-T-C. GRCh37 (hg19) VCF-style: chr17-36099442-T-C.
Other names: c.533A>G, p.Glu178Gly (NM_001165923.4, NM_001304286.2); short protein forms E178G.
Identifiers: ClinVar variation 1418993 (VCV001418993.6), dbSNP rs2147574719, ClinGen allele CA398751060.